The following is an entry in ClinVar:

NC_000013.11:g.(?_32394669)_(32398770_?)del

Gene: BRCA2 (BRCA2 DNA repair associated; plus strand). Cytogenetic location: 13q13.1.
Variant type: Deletion.
Identifiers: ClinVar variation 831781 (VCV000831781.5).

ClinVar aggregate classification (germline): Pathogenic (1 of 4 stars; one submission).

Conditions:
Hereditary breast ovarian cancer syndrome. Also called: Hereditary breast and/or ovarian cancer syndrome; Hereditary breast and ovarian cancer syndrome (HBOC); Breast and ovarian cancer; Hereditary breast and ovarian cancer; BRCA1- and BRCA2-Associated Hereditary Breast and Ovarian Cancer; Hereditary breast and ovarian cancer syndrome. Identifiers: Orphanet 145, MedGen C0677776, MeSH D061325, MONDO:0003582. Disease mechanism: loss of function.

Submission:

Labcorp Genetics (formerly Invitae), Labcorp
Classification: Pathogenic for Hereditary breast ovarian cancer syndrome. Last evaluated: 2019-10-18. Review status: criteria provided, single submitter. Criteria: Invitae Variant Classification Sherloc (09022015). Collection method: clinical testing. Allele origin: germline.
Comment: For these reasons, this variant has been classified as Pathogenic. This variant disrupts the C-terminus of the BRCA2 protein. Other variant(s) that disrupt this region (p.Tyr3308*) have been determined to be pathogenic (PMID: 17026620, 18593900, 18607349, 22711857). This suggests that variants that disrupt this region of the protein are likely to be causative of disease. A similar deletion of exons 25-27 has been observed in an individual undergoing testing for hereditary breast and ovarian cancer (PMID: 26271414). This variant is a gross deletion of the genomic region encompassing exons 25-27 of the BRCA2 gene. The 5' boundary is likely confined to intron 24. The 3' end of this event is unknown as it extends through the termination codon beyond the assayed region for this gene and may encompass additional genes. While this deletion is not anticipated to result in nonsense mediated decay, it is expected to create a truncated protein product or disrupt mRNA translation.

Literature cited by the submitters: PubMed 17026620; PubMed 18593900; PubMed 18607349; PubMed 22711857; PubMed 26271414.